The following is an entry in ClinVar:

NM_000057.4(BLM):c.4169C>T (p.Ser1390Leu)

Gene: BLM (BLM RecQ like helicase; plus strand). Cytogenetic location: 15q26.1.
Variant type: single nucleotide variant.
Coding change: c.4169C>T on transcript NM_000057.4 (MANE Select); coding-DNA position 4169, C replaced by T.
Protein change: p.Ser1390Leu; replaces serine 1390 with leucine.
Molecular consequence: missense variant.
Genome position (GRCh38, 1-based): chr15:90,815,194, C>T. VCF-style: chr15-90815194-C-T. GRCh37 (hg19) VCF-style: chr15-91358424-C-T.
Other names: c.4169C>T, p.Ser1390Leu (NM_001287246.2); c.3776C>T, p.Ser1259Leu (NM_001287247.2); c.3044C>T, p.Ser1015Leu (NM_001287248.2); short protein forms S1015L, S1259L, S1390L.
Identifiers: ClinVar variation 1338600 (VCV001338600.4), dbSNP rs2151202361, ClinGen allele CA393852453.

ClinVar aggregate classification (germline): Uncertain significance (1 of 4 stars; one submission).

Submission:

Genetic Services Laboratory, University of Chicago
Classification: Uncertain significance. Last evaluated: 2020-08-19. Review status: criteria provided, single submitter. Criteria: ACMG Guidelines, 2015. Collection method: clinical testing. Allele origin: germline. Affected: no.
Comment: DNA sequence analysis of the BLM gene demonstrated a sequence change, c.4169C>T, in exon 22 that results in an amino acid change, p.Ser1390Leu. This sequence change does not appear to have been previously described in patients with BLM-related disorders. This sequence change is absent in the gnomAD database. The p.Ser1390Leu change affects a moderately conserved amino acid residue of the BLM protein. The p.Ser1390Leu substitution appears to be benign using several in-silico pathogenicity prediction tools (SIFT, PolyPhen2, Align GVGD, REVEL). Due to these contrasting evidences and the lack of functional studies, the clinical significance of the p.Ser1390Leu change remains unknown at this time.